The following is an entry in ClinVar:

NM_198880.3(QRICH1):c.155C>G (p.Thr52Ser)

Gene: QRICH1 (glutamine rich 1; minus strand). Cytogenetic location: 3p21.31.
Variant type: single nucleotide variant.
Coding change: c.155C>G on transcript NM_198880.3 (MANE Select); coding-DNA position 155, C replaced by G.
Protein change: p.Thr52Ser; replaces threonine 52 with serine.
Molecular consequence: missense variant.
Genome position (GRCh38, 1-based): chr3:49,076,863, G>C on the plus strand (C>G on the coding strand, the complement: QRICH1 is on the minus strand). VCF-style: chr3-49076863-G-C. GRCh37 (hg19) VCF-style: chr3-49114296-G-C.
Other names: c.155C>G, p.Thr52Ser (NM_001320580.2, NM_001320581.2, NM_001320582.2 and 4 more transcripts); c.155C>G (NM_017730.3); short protein forms T52S.
Identifiers: ClinVar variation 3785833 (VCV003785833.2).

ClinVar aggregate classification (germline): Uncertain significance. Review status: criteria provided, multiple submitters, no conflicts (2 of 4 stars). 2 submissions from 2 submitters: Uncertain significance (2). Last evaluated 2026-02-21.

Conditions:
Inborn genetic diseases. Identifiers: MedGen C0950123, MeSH D030342.

Submissions (2):

GeneDx
Classification: Uncertain significance. Last evaluated: 2026-02-21. Review status: criteria provided, single submitter. Criteria: GeneDx Variant Classification Process June 2021. Collection method: clinical testing. Allele origin: germline.
Comment: Not observed at significant frequency in large population cohorts (gnomAD); In silico analysis supports that this missense variant has a deleterious effect on protein structure/function; Has not been previously published as pathogenic or benign to our knowledge

Ambry Genetics
Classification: Uncertain significance for Inborn genetic diseases. Last evaluated: 2025-01-20. Review status: criteria provided, single submitter. Criteria: Ambry Variant Classification Scheme 2023. Collection method: clinical testing. Allele origin: germline.